The following is an entry in ClinVar:

ClinVar aggregate classification (germline): Conflicting classifications of pathogenicity. Review status: criteria provided, conflicting classifications (1 of 4 stars). 2 submissions from 2 submitters: Uncertain significance (1); Benign (1). Last evaluated 2026-07-09.

Conditions:
Inborn genetic diseases. Identifiers: MedGen C0950123, MeSH D030342.
Tumor predisposition syndrome 2 (TPDS2). Also called: MBD4-associated neoplasia syndrome (MANS); MBD4-Related Tumor Predisposition Syndrome; MBD4-ASSOCIATED NEOPLASIA SYNDROME. Identifiers: Orphanet 661526, MedGen C5774186, MONDO:0859267, OMIM 619975.

Submissions (2):

Ambry Genetics
Classification: Uncertain significance for Inborn genetic diseases. Last evaluated: 2026-07-09. Review status: criteria provided, single submitter. Criteria: Ambry Variant Classification Scheme 2023. Collection method: clinical testing. Allele origin: germline.
Comment: The c.996C>A variant (also known as p.I332I), located in coding exon 3 of the MBD4 gene, results from a C to A substitution at nucleotide position 996. This nucleotide substitution does not change the isoleucine at codon 332. This nucleotide position is not well conserved in available vertebrate species. In silico splice site analysis predicts that this alteration may result in the creation or strengthening of a novel splice acceptor site. Based on the available evidence, the clinical significance of this variant remains unclear.

Myriad Genetics, Inc.
Classification: Benign for Tumor predisposition syndrome 2. Last evaluated: 2026-06-10. Review status: criteria provided, single submitter. Criteria: Myriad Autosomal Dominant, Autosomal Recessive and X-Linked Classification Criteria (2023). Collection method: clinical testing. Allele origin: unknown.
Comment: This variant is considered benign. This variant is a silent/synonymous amino acid change and it is not expected to impact splicing.

NM_001276270.2(MBD4):c.996C>A (p.Ile332=)

Gene: MBD4 (methyl-CpG binding domain 4, DNA glycosylase; minus strand). Cytogenetic location: 3q21.3.
Variant type: single nucleotide variant.
Coding change: c.996C>A on transcript NM_001276270.2 (MANE Select); coding-DNA position 996, C replaced by A.
Protein change: p.Ile332=; no amino-acid change (isoleucine 332 retained).
Molecular consequence: synonymous variant. On other transcripts: intron variant (1).
Genome position (GRCh38, 1-based): chr3:129,436,648, G>T on the plus strand (C>A on the coding strand, the complement: MBD4 is on the minus strand). VCF-style: chr3-129436648-G-T. GRCh37 (hg19) VCF-style: chr3-129155491-G-T.
Other names: c.996C>A, p.Ile332= (NM_001276271.2, NM_001276272.2, NM_003925.3); c.247+1160C>A (NM_001276273.2).
Identifiers: ClinVar variation 4875919 (VCV004875919.2).